The following is an entry in ClinVar:

NM_001287.6(CLCN7):c.484+2T>C

Gene: CLCN7 (chloride voltage-gated channel 7; minus strand). Cytogenetic location: 16p13.3.
Variant type: single nucleotide variant.
Coding change: c.484+2T>C on transcript NM_001287.6 (MANE Select); the canonical splice donor site of the intron after coding-DNA position 484, T replaced by C.
Molecular consequence: splice donor variant.
Genome position (GRCh38, 1-based): chr16:1,460,814, A>G on the plus strand (T>C on the coding strand, the complement: CLCN7 is on the minus strand). VCF-style: chr16-1460814-A-G. GRCh37 (hg19) VCF-style: chr16-1510815-A-G.
Other names: c.412+2T>C (NM_001114331.3).
Identifiers: ClinVar variation 3682469 (VCV003682469.2).
Genomic context (GRCh38, chr16:1,460,814, plus strand): 5'-CCGGGACTCGGCCCAGGCCACGCCCCCCTCCCAAGCTGCAGCGGCCGCACTGGGAAGGAT[A>G]CTGCCCTTGATGACCCTGTACTTGAGGCCAGCCAGGTTTTCCACCACGATGTCAATGAAG-3'

ClinVar aggregate classification (germline): Likely pathogenic (1 of 4 stars; one submission).

Submission:

Labcorp Genetics (formerly Invitae), Labcorp
Classification: Likely pathogenic. Last evaluated: 2024-05-09. Review status: criteria provided, single submitter. Criteria: Invitae Variant Classification Sherloc (09022015). Collection method: clinical testing. Allele origin: germline.
Comment: This sequence change affects a donor splice site in intron 5 of the CLCN7 gene. It is expected to disrupt RNA splicing. Variants that disrupt the donor or acceptor splice site typically lead to a loss of protein function (PMID: 16199547), and loss-of-function variants in CLCN7 are known to be pathogenic (PMID: 14584882, 19953639). This variant is not present in population databases (gnomAD no frequency). This variant has not been reported in the literature in individuals affected with CLCN7-related conditions. Algorithms developed to predict the effect of sequence changes on RNA splicing suggest that this variant may disrupt the consensus splice site. In summary, the currently available evidence indicates that the variant is pathogenic, but additional data are needed to prove that conclusively. Therefore, this variant has been classified as Likely Pathogenic.

Literature cited by the submitters: PubMed 16199547; PubMed 14584882; PubMed 19953639.